The following is an entry in ClinVar:

ClinVar aggregate classification (germline): Pathogenic/Likely pathogenic. Review status: criteria provided, multiple submitters, no conflicts (2 of 4 stars). 12 submissions from 11 submitters: Pathogenic (3); Likely pathogenic (9). Last evaluated 2026-09-14.

Conditions:
Mitochondrial complex 2 deficiency, nuclear type 3. Also called: MITOCHONDRIAL COMPLEX II DEFICIENCY, NUCLEAR TYPE 3. Identifiers: MedGen C5436934, MONDO:0030937, OMIM 619167.
Cowden syndrome 3 (CWS3). Identifiers: Orphanet 201, MedGen CN166604, MONDO:0014045.
Pheochromocytoma. Also called: MAX-Related Hereditary Paraganglioma-Pheochromocytoma Syndrome. Identifiers: Orphanet 29072, MedGen C0031511, MONDO:0008233, OMIM 171300, HP:0002666.
Paragangliomas with sensorineural hearing loss. Identifiers: MedGen C1868633.
Carney-Stratakis syndrome. Also called: PARAGANGLIOMA AND GASTROINTESTINAL STROMAL TUMOR. Identifiers: Orphanet 97286, MedGen C1847319, MONDO:0011740, OMIM 606864.
Hereditary cancer-predisposing syndrome. Also called: Tumor predisposition; Hereditary neoplastic syndrome; Hereditary Cancer Syndrome; Neoplastic Syndromes, Hereditary. Identifiers: Orphanet 140162, MedGen C0027672, MeSH D009386, MONDO:0015356.
Hereditary pheochromocytoma and paraganglioma. Also called: Hereditary Paraganglioma-Pheochromocytoma Syndromes; Hereditary paragangliomas and pheochromocytomas; Hereditary pheochromocytoma-paraganglioma. Identifiers: Orphanet 29072, MedGen C4274332, MONDO:0017366.
Pheochromocytoma/paraganglioma syndrome 1. Also called: Paraganglioma - glomus jugulare; SDHD-Related Hereditary Paraganglioma-Pheochromocytoma Syndrome; Paragangliomas 1; Glomus tumors familial 1; PARAGANGLIOMAS, FAMILIAL NONCHROMAFFIN, 1; PGL 1. Identifiers: Orphanet 29072, MedGen C3494181, MONDO:0008192, OMIM 168000.

Allele frequency attached by ClinVar (database versions not stated): gnomAD exomes below 0.00001.

Submissions (12):

GeneDx
Classification: Likely pathogenic. Last evaluated: 2026-09-14. Review status: criteria provided, single submitter. Criteria: GeneDx Variant Classification Process June 2021. Collection method: clinical testing. Allele origin: germline.
Comment: Identified in patients with clinical features consistent with SDHD-related disorder referred for genetic testing at GeneDx and in published literature (PMID: 32035780, 39908201); Not observed at significant frequency in large population cohorts (gnomAD); In silico analysis supports that this missense variant has a deleterious effect on protein structure/function; This variant is associated with the following publications: (PMID: 34906457, 32035780, 28977582, 39908201)

Mayo Clinic Laboratories, Mayo Clinic
Classification: Likely pathogenic. Last evaluated: 2025-11-20. Review status: criteria provided, single submitter. Criteria: ACMG Guidelines, 2015. Collection method: clinical testing. Allele origin: germline. Observed: 1 variant allele.
Comment: PP3_moderate, PP4, PM2_supporting, PM5

Labcorp Genetics (formerly Invitae), Labcorp
Classification: Pathogenic for Carney-Stratakis syndrome; Paragangliomas with sensorineural hearing loss; Pheochromocytoma; Cowden syndrome 3. Last evaluated: 2025-11-11. Review status: criteria provided, single submitter. Criteria: Invitae Variant Classification Sherloc (09022015). Collection method: clinical testing. Allele origin: germline.
Comment: This sequence change replaces leucine, which is neutral and non-polar, with arginine, which is basic and polar, at codon 107 of the SDHD protein (p.Leu107Arg). This variant is present in population databases (no rsID available, gnomAD 0.003%). This missense change has been observed in individuals with head and neck paragangliomas (PMID: 32035780, 34906457; internal data). It has also been observed to segregate with disease in related individuals. ClinVar contains an entry for this variant (Variation ID: 230274). Invitae Evidence Modeling of protein sequence and biophysical properties (such as structural, functional, and spatial information, amino acid conservation, physicochemical variation, residue mobility, and thermodynamic stability) indicates that this missense variant is expected to disrupt SDHD protein function with a positive predictive value of 95%. This variant disrupts the p.Leu107 amino acid residue in SDHD. Other variant(s) that disrupt this residue have been observed in individuals with SDHD-related conditions (PMID: 28977582), which suggests that this may be a clinically significant amino acid residue. For these reasons, this variant has been classified as Pathogenic.

Color Diagnostics, LLC DBA Color Health
Classification: Likely pathogenic for Hereditary pheochromocytoma and paraganglioma. Last evaluated: 2025-09-30. Review status: criteria provided, single submitter. Criteria: ACMG Guidelines, 2015. Collection method: clinical testing. Allele origin: germline.
Comment: This missense variant replaces leucine with arginine at codon 107 of the SDHD protein. Computational prediction suggests that this variant may have deleterious impact on protein structure and function. To our knowledge, functional studies have not been reported for this variant. This variant has been reported in individuals affected with paraganglioma and/or pheochromocytoma (PMID: 32035780, 34906457ClinVar: SCV000273754.9, SCV000554059.10). This variant has been identified in 1/1459464 chromosomes in the general population by the Genome Aggregation Database (gnomAD). Based on the available evidence, this variant is classified as Likely Pathogenic.

Dasa
Classification: Likely pathogenic. Last evaluated: 2025-08-25. Review status: criteria provided, single submitter. Criteria: DASA Assertion Criteria. Collection method: clinical testing. Allele origin: germline.
Comment: NM_003002.4(SDHD):c.320T>G (p.Leu107Arg) is a missense variant that results in the substitution of leucine with arginine. The affected residue or protein region has prior evidence supporting clinical relevance. This variant is rare in population databases. Computational evidence supports a deleterious effect. Based on the currently available evidence, this variant is classified as likely pathogenic.

Women's Health and Genetics/Laboratory Corporation of America, LabCorp
Classification: Pathogenic for Hereditary pheochromocytoma and paraganglioma. Last evaluated: 2025-08-20. Review status: criteria provided, single submitter. Criteria: LabCorp Variant Classification Summary - May 2015. Collection method: clinical testing. Allele origin: germline.
Comment: Variant summary: SDHD c.320T>G (p.Leu107Arg) results in a non-conservative amino acid change in the encoded protein sequence. Algorithms developed to predict the effect of missense changes on protein structure and function all suggest that this variant is likely to be disruptive. The variant allele was found at a frequency of 4e-06 in 250616 control chromosomes. c.320T>G has been observed in individual(s) affected with Hereditary Paraganglioma-Pheochromocytoma Syndrome (examples: Sen_2020, Garret_2022, Hernandez-Ramirez_2025, internal data). These data indicate that the variant is likely to be associated with disease. Different variant that disrupt this residue (p.Leu107Pro) has been observed in individuals with SDHD-related conditions (PMID: 28977582). The following publications have been ascertained in the context of this evaluation (PMID: 34906457, 32035780, 39908201). ClinVar contains an entry for this variant (Variation ID: 230274). Based on the evidence outlined above, the variant was classified as pathogenic.

Quest Diagnostics Nichols Institute San Juan Capistrano
Classification: Likely pathogenic. Last evaluated: 2025-03-31. Review status: criteria provided, single submitter. Criteria: Quest Diagnostics criteria. Collection method: clinical testing. Allele origin: unknown.
Comment: The SDHD c.320T>G (p.Leu107Arg) variant has been reported in the published literature in affected individuals with hereditary paraganglioma-pheochromocytoma (PGL-PCC) syndrome (PMIDs: 32035780 (2020) and 34906457 (2022)). The frequency of this variant in the general population (Genome Aggregation Database) is uninformative in the assessment of its pathogenicity. Analysis of this variant using bioinformatics tools for the prediction of the effect of amino acid changes on protein structure and function yielded predictions that this variant is damaging. Based on the available information, this variant is classified as likely pathogenic.

ARUP Laboratories, Molecular Genetics and Genomics, ARUP Laboratories
Classification: Likely pathogenic. Last evaluated: 2024-12-31. Review status: criteria provided, single submitter. Criteria: ARUP Molecular Germline Variant Investigation Process 2024. Collection method: clinical testing. Allele origin: germline.
Comment: The SDHD c.320T>G; p.Leu107Arg variant (rs876658477, ClinVar Variation ID: 230274) is reported in the literature in head and neck paragangliomas/pheochromocytomas cohorts (Garrett 2022, Sen 2020). This variant has also been observed to segregate with disease in at least one family (Invitae, personal communication). This variant is only observed on one allele in the Genome Aggregation Database (v2.1.1), indicating it is not a common polymorphism. Computational analyses predict that this variant is deleterious (REVEL: 0.915). Additionally, another variant at this codon (c.320T>C; p.Leu107Pro) has been reported in a family with paraganglioma and is considered pathogenic (Otani 2017). Based on available information, the p.Leu107Arg variant is considered to be likely pathogenic. References: Garrett A et al. Quantifying evidence toward pathogenicity for rare phenotypes: The case of succinate dehydrogenase genes, SDHB and SDHD. Genet Med. 2022 Jan;24(1):41-50. PMID: 34906457. Otani N et al. Cardiac paraganglioma with a novel germline mutation of succinate dehydrogenase gene D. Jpn J Clin Oncol. 2017 Dec 1;47(12):1193-1197. PMID: 28977582. Sen I et al. Tumor-specific prognosis of mutation-positive patients with head and neck paragangliomas. J Vasc Surg. 2020 May;71(5):1602-1612.e2. PMID: 32035780.

Ambry Genetics
Classification: Pathogenic for Hereditary cancer-predisposing syndrome. Last evaluated: 2024-10-11. Review status: criteria provided, single submitter. Criteria: Ambry Variant Classification Scheme 2023. Collection method: clinical testing. Allele origin: germline.
Comment: The p.L107R pathogenic mutation (also known as c.320T>G), located in coding exon 4 of the SDHD gene, results from a T to G substitution at nucleotide position 320. The leucine at codon 107 is replaced by arginine, an amino acid with dissimilar properties. This alteration has been observed in multiple individuals who have a personal or family history that is consistent with SDHD-associated disease (Ambry internal data; Sen I et al. J Vasc Surg. 2020 05;71:1602-1612.e2). This amino acid position is not well conserved in available vertebrate species. In addition, this alteration is predicted to be deleterious by in silico analysis. Based on the supporting evidence, this variant is interpreted as a disease-causing mutation.

Baylor Genetics
Classification: Likely pathogenic for Mitochondrial complex 2 deficiency, nuclear type 3. Last evaluated: 2023-08-07. Review status: criteria provided, single submitter. Criteria: ACMG Guidelines, 2015. Collection method: clinical testing. Allele origin: unknown.

Institute for Genomic Medicine (IGM) Clinical Laboratory, Nationwide Children's Hospital
Classification: Likely pathogenic for Pheochromocytoma/paraganglioma syndrome 1. Last evaluated: 2022-12-06. Review status: criteria provided, single submitter. Criteria: ACMG Guidelines, 2015. Collection method: clinical testing. Allele origin: germline.
Comment: This variant has been reported at an elevated frequency in affected individuals/in multiple affected individuals in the literature (ACMG/AMP: PS4_Supporting; PMID:32035780). This variant is located in a mutational hot spot and/or critical and well-established functional domain (ACMG/AMP: PM1; PMID:34906457). This variant is absent from or present at an exceedingly low frequency in gnomAD, a large-scale control population database (ACMG/AMP: PM2). This variant is predicted to alter protein function or structure, or disrupt splicing by multiple in silico tools (ACMG/AMP: PP3).

Baylor Genetics
Classification: Likely pathogenic for Pheochromocytoma. Last evaluated: 2020-06-25. Review status: criteria provided, single submitter. Criteria: ACMG Guidelines, 2015. Collection method: clinical testing. Allele origin: unknown. Affected: yes. Study: CSER-TexasKidsCanSeq.
Comment: This variant was determined to be likely pathogenic according to ACMG Guidelines, 2015 [PMID:25741868]. This variant has been reported in multiple patients [PMID: 28977582, 32035780; ClinVar: 230274]

Literature cited by the submitters: PubMed 28977582 (cited by 4 submitters); PubMed 32035780 (cited by 8 submitters); PubMed 34906457 (cited by 6 submitters); PubMed 39908201 (cited by Mayo Clinic Laboratories, Mayo Clinic and Women's Health and Genetics/Laboratory Corporation of America, LabCorp).

NM_003002.4(SDHD):c.320T>G (p.Leu107Arg)

Gene: SDHD (succinate dehydrogenase complex subunit D; plus strand). Cytogenetic location: 11q23.1.
Variant type: single nucleotide variant.
Coding change: c.320T>G on transcript NM_003002.4 (MANE Select); coding-DNA position 320, T replaced by G.
Protein change: p.Leu107Arg; replaces leucine 107 with arginine.
Molecular consequence: missense variant. On other transcripts: 3 prime UTR variant (1), non-coding transcript variant (1).
Genome position (GRCh38, 1-based): chr11:112,094,810, T>G. VCF-style: chr11-112094810-T-G. GRCh37 (hg19) VCF-style: chr11-111965534-T-G.
Other names: p.Leu107Arg; c.175T>G, p.Leu59Val (NM_001276503.2); c.203T>G, p.Leu68Arg (NM_001276504.2); c.*18T>G (NM_001276506.2); short protein forms L107R, L59V, L68R.
Identifiers: ClinVar variation 230274 (VCV000230274.40), dbSNP rs876658477, ClinGen allele CA10579346.